The following is an entry in ClinVar:

NM_000321.3(RB1):c.1861C>T (p.Arg621Cys)

Gene: RB1 (RB transcriptional corepressor 1; plus strand). Cytogenetic location: 13q14.2.
Variant type: single nucleotide variant.
Coding change: c.1861C>T on transcript NM_000321.3 (MANE Select); coding-DNA position 1861, C replaced by T.
Protein change: p.Arg621Cys; replaces arginine 621 with cysteine.
Molecular consequence: missense variant.
Genome position (GRCh38, 1-based): chr13:48,456,250, C>T. VCF-style: chr13-48456250-C-T. GRCh37 (hg19) VCF-style: chr13-49030386-C-T.
Other names: short protein forms R621C.
Identifiers: ClinVar variation 410947 (VCV000410947.24), dbSNP rs367578442, ClinGen allele CA032901.

ClinVar aggregate classification (germline): Conflicting classifications of pathogenicity. Review status: criteria provided, conflicting classifications (1 of 4 stars). 6 submissions from 6 submitters: Uncertain significance (1); Benign (2); Likely benign (3). Last evaluated 2026-06-22.

Conditions:
Hereditary cancer-predisposing syndrome. Also called: Hereditary Cancer Syndrome; Neoplastic Syndromes, Hereditary; Hereditary neoplastic syndrome; Tumor predisposition. Identifiers: Orphanet 140162, MedGen C0027672, MeSH D009386, MONDO:0015356.
Retinoblastoma (RB1). Also called: RETINOBLASTOMA, SOMATIC. Identifiers: Orphanet 790, MedGen C0035335, MeSH D012175, MONDO:0008380, OMIM 180200, HP:0009919. Disease mechanism: loss of function. Inheritance: Both sporadic and heritable forms are tested..

Allele frequency attached by ClinVar (database versions not stated): TOPMed 0.00006; 1000 Genomes Project 30x 0.00016.
gnomAD v4.1: 107 of 1,614,138 alleles (0.0066%); highest among the groups gnomAD compares: Admixed American, 0.0083%; no homozygotes.

Submissions (6):

Myriad Genetics, Inc.
Classification: Likely benign for Retinoblastoma. Last evaluated: 2026-06-22. Review status: criteria provided, single submitter. Criteria: Myriad Autosomal Dominant, Autosomal Recessive and X-Linked Classification Criteria (2023). Collection method: clinical testing. Allele origin: unknown.
Comment: This variant is considered likely benign. This variant has been observed at a population frequency that is significantly greater than expected given the associated disease prevalence and penetrance.

Labcorp Genetics (formerly Invitae), Labcorp
Classification: Benign for Retinoblastoma. Last evaluated: 2026-01-24. Review status: criteria provided, single submitter. Criteria: Invitae Variant Classification Sherloc (09022015). Collection method: clinical testing. Allele origin: germline.

Color Diagnostics, LLC DBA Color Health
Classification: Likely benign for Retinoblastoma. Last evaluated: 2022-05-02. Review status: criteria provided, single submitter. Criteria: ACMG Guidelines, 2015. Collection method: clinical testing. Allele origin: germline.

Ambry Genetics
Classification: Benign for Hereditary cancer-predisposing syndrome. Last evaluated: 2022-03-02. Review status: criteria provided, single submitter. Criteria: Ambry Variant Classification Scheme 2023. Collection method: clinical testing. Allele origin: germline.

Genetic Services Laboratory, University of Chicago
Classification: Uncertain significance. Last evaluated: 2021-08-19. Review status: criteria provided, single submitter. Criteria: ACMG Guidelines, 2015. Collection method: clinical testing. Allele origin: germline. Affected: no.
Comment: DNA sequence analysis of the RB1 gene demonstrated a sequence change, c.1861C>T, in exon 19 that results in an amino acid change, p.Arg621Cys. This sequence change has been described in the gnomAD database with a frequency of 0.014% in the non-Finnish European subpopulation (dbSNP rs367578442). The p.Arg621Cys change affects a moderately conserved amino acid residue located in a domain of the RB1 protein that is not known to be functional. The p.Arg621Cys substitution appears to be benign using several in-silico pathogenicity prediction tools (SIFT, PolyPhen2, Align GVGD, REVEL). This sequence change does not appear to have been described in individuals with retinoblastoma, however it has been reported in an individual with breast cancer and in vitro experimental studies indicated that this variant was unable to induce apoptosis in cultured cells (PMID: 20594292). Due to insufficient evidences, the clinical significance of the p.Arg621Cys change remains unknown at this time.

Illumina Laboratory Services, Illumina
Classification: Likely benign for Retinoblastoma. Last evaluated: 2017-04-27. Review status: criteria provided, single submitter. Criteria: ICSL Variant Classification Criteria 13 December 2019. Collection method: clinical testing. Allele origin: germline.
Comment: This variant was observed as part of a predisposition screen in an ostensibly healthy population. A literature search was performed for the gene, cDNA change, and amino acid change (where applicable). Publications were found based on this search. The evidence from the literature, in combination with allele frequency data from public databases where available, was sufficient to determine this variant is unlikely to cause disease. Therefore, this variant is classified as likely benign.

Literature cited by the submitters: PubMed 20594292 (cited by Ambry Genetics and Illumina Laboratory Services, Illumina); PubMed 23474753 (cited by Ambry Genetics); PubMed 27153395 (cited by Ambry Genetics).